The following is an entry in ClinVar:

ClinVar aggregate classification (germline): Uncertain significance (1 of 4 stars; one submission).

Submission:

Ambry Genetics
Classification: Uncertain significance. Last evaluated: 2022-08-29. Review status: criteria provided, single submitter. Criteria: Ambry Variant Classification Scheme 2023. Collection method: clinical testing. Allele origin: germline.
Comment: The p.S955Y variant (also known as c.2864C>A), located in coding exon 1 of the MLH3 gene, results from a C to A substitution at nucleotide position 2864. The serine at codon 955 is replaced by tyrosine, an amino acid with dissimilar properties. This amino acid position is conserved. In addition, this alteration is predicted to be tolerated by in silico analysis. Since supporting evidence is limited at this time, the clinical significance of this alteration remains unclear.

NM_001040108.2(MLH3):c.2864C>A (p.Ser955Tyr)

Gene: MLH3 (mutL homolog 3; minus strand). Cytogenetic location: 14q24.3.
Variant type: single nucleotide variant.
Coding change: c.2864C>A on transcript NM_001040108.2 (MANE Select); coding-DNA position 2864, C replaced by A.
Protein change: p.Ser955Tyr; replaces serine 955 with tyrosine.
Molecular consequence: missense variant.
Genome position (GRCh38, 1-based): chr14:75,046,792, G>T on the plus strand (C>A on the coding strand, the complement: MLH3 is on the minus strand). VCF-style: chr14-75046792-G-T. GRCh37 (hg19) VCF-style: chr14-75513495-G-T.
Other names: c.2864C>A, p.Ser955Tyr (NM_014381.3); short protein forms S955Y.
Identifiers: ClinVar variation 1796987 (VCV001796987.2), dbSNP rs2503259135, ClinGen allele CA390437969.
Genomic context (GRCh38, chr14:75,046,792, plus strand): 5'-TTATAGGGCAATACCAAAGGAGTTTCTGATATCACACAGTTCTCTGTTGTATTGCTGTTA[G>T]AATGTGTTTTACTATTTTTATTAAAGGAATTATCCTGTGTGGCAGAATCTGATGTTGGGA-3'
Protein context (NP_001035197.1, residues 945-965): NSFNKNSKTH[Ser955Tyr]NSNTTENCVI